The following is an entry in ClinVar:

NM_005045.4(RELN):c.1092C>T (p.Leu364=)

Gene: RELN (reelin; minus strand). Cytogenetic location: 7q22.1.
Variant type: single nucleotide variant.
Coding change: c.1092C>T on transcript NM_005045.4 (MANE Select); coding-DNA position 1092, C replaced by T.
Protein change: p.Leu364=; no amino-acid change (leucine 364 retained).
Molecular consequence: synonymous variant.
Genome position (GRCh38, 1-based): chr7:103,697,904, G>A on the plus strand (C>T on the coding strand, the complement: RELN is on the minus strand). VCF-style: chr7-103697904-G-A. GRCh37 (hg19) VCF-style: chr7-103338351-G-A.
Other names: c.1092C>T, p.Leu364= (NM_173054.3).
Identifiers: ClinVar variation 515277 (VCV000515277.12), dbSNP rs142192165, ClinGen allele CA4422368.

ClinVar aggregate classification (germline): Likely benign. Review status: criteria provided, multiple submitters, no conflicts (2 of 4 stars). 5 submissions from 5 submitters: Likely benign (5). Last evaluated 2026-01-21.

Conditions:
Familial temporal lobe epilepsy 7. Identifiers: Orphanet 101046, MedGen C4225327, MONDO:0014639, OMIM 616436.
Norman-Roberts syndrome (LIS2). Also called: Lissencephaly 2 (Norman-Roberts type). Identifiers: Orphanet 89844, MedGen C0796089, MONDO:0009760, OMIM 257320.
Inborn genetic diseases. Identifiers: MedGen C0950123, MeSH D030342.

Allele frequency attached by ClinVar (database versions not stated): gnomAD 0.00001; gnomAD exomes 0.00001; ExAC 0.00002; TOPMed 0.00003; ESP Exome Variant Server 0.00008.
gnomAD v4.1: 11 of 1,613,586 alleles (0.00068%); highest among the groups gnomAD compares: Admixed American, 0.005%; no homozygotes.

Submissions (5):

Labcorp Genetics (formerly Invitae), Labcorp
Classification: Likely benign for Familial temporal lobe epilepsy 7; Norman-Roberts syndrome. Last evaluated: 2026-01-21. Review status: criteria provided, single submitter. Criteria: Invitae Variant Classification Sherloc (09022015). Collection method: clinical testing. Allele origin: germline.

Ambry Genetics
Classification: Likely benign for Inborn genetic diseases. Last evaluated: 2024-08-27. Review status: criteria provided, single submitter. Criteria: Ambry Variant Classification Scheme 2023. Collection method: clinical testing. Allele origin: germline.

Blueprint Genetics
Classification: Likely benign. Last evaluated: 2023-06-14. Review status: criteria provided, single submitter. Criteria: ACMG Guidelines, 2015. Collection method: clinical testing. Allele origin: germline.

Athena Diagnostics
Classification: Likely benign. Last evaluated: 2018-03-08. Review status: criteria provided, single submitter. Criteria: Athena Diagnostics Criteria. Collection method: clinical testing. Allele origin: germline.

GeneDx
Classification: Likely benign. Last evaluated: 2018-02-06. Review status: criteria provided, single submitter. Criteria: GeneDx Variant Classification (06012015). Collection method: clinical testing. Allele origin: germline. Affected: yes.
Comment: This variant is considered likely benign or benign based on one or more of the following criteria: it is a conservative change, it occurs at a poorly conserved position in the protein, it is predicted to be benign by multiple in silico algorithms, and/or has population frequency not consistent with disease.